The following is an entry in ClinVar:

ClinVar aggregate classification (germline): Uncertain significance. Review status: criteria provided, multiple submitters, no conflicts (2 of 4 stars). 2 submissions from 2 submitters: Uncertain significance (2). Last evaluated 2023-11-08.

Conditions:
Tuberous sclerosis 2 (TSC2). Identifiers: Orphanet 805, MedGen C1860707, MONDO:0013199, OMIM 613254.
Hereditary cancer-predisposing syndrome. Also called: Hereditary neoplastic syndrome; Tumor predisposition; Neoplastic Syndromes, Hereditary; Hereditary Cancer Syndrome. Identifiers: Orphanet 140162, MedGen C0027672, MeSH D009386, MONDO:0015356.

Submissions (2):

Labcorp Genetics (formerly Invitae), Labcorp
Classification: Uncertain significance for Tuberous sclerosis 2. Last evaluated: 2023-11-08. Review status: criteria provided, single submitter. Criteria: Invitae Variant Classification Sherloc (09022015). Collection method: clinical testing. Allele origin: germline.
Comment: This sequence change replaces lysine, which is basic and polar, with asparagine, which is neutral and polar, at codon 506 of the TSC2 protein (p.Lys506Asn). This variant is not present in population databases (gnomAD no frequency). This variant has not been reported in the literature in individuals affected with TSC2-related conditions. ClinVar contains an entry for this variant (Variation ID: 2449990). Advanced modeling of protein sequence and biophysical properties (such as structural, functional, and spatial information, amino acid conservation, physicochemical variation, residue mobility, and thermodynamic stability) performed at Invitae indicates that this missense variant is not expected to disrupt TSC2 protein function with a negative predictive value of 95%. In summary, the available evidence is currently insufficient to determine the role of this variant in disease. Therefore, it has been classified as a Variant of Uncertain Significance.

Ambry Genetics
Classification: Uncertain significance for Hereditary cancer-predisposing syndrome. Last evaluated: 2023-02-08. Review status: criteria provided, single submitter. Criteria: Ambry Variant Classification Scheme 2023. Collection method: clinical testing. Allele origin: germline.
Comment: The p.K506N variant (also known as c.1518G>T), located in coding exon 14 of the TSC2 gene, results from a G to T substitution at nucleotide position 1518. The lysine at codon 506 is replaced by asparagine, an amino acid with similar properties. This amino acid position is conserved. In addition, this alteration is predicted to be tolerated by in silico analysis. Since supporting evidence is limited at this time, the clinical significance of this alteration remains unclear.

NM_000548.5(TSC2):c.1518G>T (p.Lys506Asn)

Gene: TSC2 (TSC complex subunit 2; plus strand). Cytogenetic location: 16p13.3.
Variant type: single nucleotide variant.
Coding change: c.1518G>T on transcript NM_000548.5 (MANE Select); coding-DNA position 1518, G replaced by T.
Protein change: p.Lys506Asn; replaces lysine 506 with asparagine.
Molecular consequence: missense variant. On other transcripts: 5 prime UTR variant (1), non-coding transcript variant (5).
Genome position (GRCh38, 1-based): chr16:2,064,346, G>T. VCF-style: chr16-2064346-G-T. GRCh37 (hg19) VCF-style: chr16-2114347-G-T.
Other names: c.1551G>T, p.Lys517Asn (NM_001318832.2); c.1518G>T, p.Lys506Asn (NM_001363528.2, NM_001370404.1, NM_001370405.1 and 6 more transcripts); c.1608G>T, p.Lys536Asn (NM_001406667.1, NM_001406668.1); c.1407G>T, p.Lys469Asn (NM_001406670.1, NM_001318827.2, NM_001406678.1); c.918G>T, p.Lys306Asn (NM_001406682.1, NM_001406683.1, NM_001406684.1 and 6 more transcripts); c.174G>T, p.Lys58Asn (NM_001406689.1, NM_001406690.1, NM_001406691.1 and 6 more transcripts); c.1371G>T, p.Lys457Asn (NM_001318829.2, NM_001406675.1, NM_001406676.1 and 1 more transcripts); c.1506G>T, p.Lys502Asn (NM_001406671.1, NM_001406673.1); and 3 more; short protein forms K487N, K517N, K536N, K306N, K457N, K502N, K506N, K58N.
Identifiers: ClinVar variation 2449990 (VCV002449990.5), dbSNP rs2548571166, ClinGen allele CA394326202.